The following is an entry in ClinVar:

ClinVar aggregate classification (germline): Uncertain significance (1 of 4 stars; one submission).

Allele frequency attached by ClinVar (database versions not stated): gnomAD exomes 0.00001.
gnomAD v4.1: 9 of 1,614,178 alleles (0.00056%); highest among the groups gnomAD compares: Non-Finnish European, 0.00076%; no homozygotes.

Submission:

Labcorp Genetics (formerly Invitae), Labcorp
Classification: Uncertain significance. Last evaluated: 2022-07-10. Review status: criteria provided, single submitter. Criteria: Invitae Variant Classification Sherloc (09022015). Collection method: clinical testing. Allele origin: germline.
Comment: This sequence change replaces threonine, which is neutral and polar, with proline, which is neutral and non-polar, at codon 409 of the ADD3 protein (p.Thr409Pro). In summary, the available evidence is currently insufficient to determine the role of this variant in disease. Therefore, it has been classified as a Variant of Uncertain Significance. Algorithms developed to predict the effect of missense changes on protein structure and function are either unavailable or do not agree on the potential impact of this missense change (SIFT: "Not Available"; PolyPhen-2: "Probably Damaging"; Align-GVGD: "Not Available"). This variant has not been reported in the literature in individuals affected with ADD3-related conditions. This variant is not present in population databases (gnomAD no frequency).

NM_016824.5(ADD3):c.1225A>C (p.Thr409Pro)

Gene: ADD3 (adducin 3; plus strand). Cytogenetic location: 10q25.2.
Variant type: single nucleotide variant.
Coding change: c.1225A>C on transcript NM_016824.5 (MANE Select); coding-DNA position 1225, A replaced by C.
Protein change: p.Thr409Pro; replaces threonine 409 with proline.
Molecular consequence: missense variant.
Genome position (GRCh38, 1-based): chr10:110,124,098, A>C. VCF-style: chr10-110124098-A-C. GRCh37 (hg19) VCF-style: chr10-111883856-A-C.
Other names: c.1225A>C, p.Thr409Pro (NM_001121.4, NM_001320591.2, NM_001320592.2 and 2 more transcripts); c.991A>C, p.Thr331Pro (NM_001320594.2); short protein forms T331P, T409P.
Identifiers: ClinVar variation 2087720 (VCV002087720.4), dbSNP rs2496157393, ClinGen allele CA378372049.